The following is an entry in ClinVar:

ClinVar aggregate classification (germline): Likely benign. Review status: criteria provided, multiple submitters, no conflicts (2 of 4 stars). 3 submissions from 3 submitters: Likely benign (3). Last evaluated 2026-07-01.

Conditions:
Senior-Loken syndrome 6 (SLSN6). Identifiers: Orphanet 3156, MedGen C1857779, MONDO:0012433, OMIM 610189.
Meckel syndrome, type 4 (MKS4). Also called: MECKEL-GRUBER SYNDROME, TYPE 4. Identifiers: Orphanet 564, MedGen C1970161, MONDO:0012626, OMIM 611134.
Bardet-Biedl syndrome 14 (BBS14). Identifiers: Orphanet 110, MedGen C2673874, MONDO:0014442, OMIM 615991.
Joubert syndrome 5 (JBTS5). Identifiers: Orphanet 2318, MedGen C1857780, MONDO:0012432, OMIM 610188.
Leber congenital amaurosis 10 (LCA10). Identifiers: Orphanet 65, MedGen C1857821, MONDO:0012723, OMIM 611755.
CEP290-related disorder. Also called: CEP290-related condition; CEP290-related disorders. Identifiers: MedGen CN239314.
Meckel-Gruber syndrome. Also called: DYSENCEPHALIA SPLANCHNOCYSTICA; Dysencephalia splachnocystica; GRUBER SYNDROME. Identifiers: Orphanet 564, MedGen C0265215, MONDO:0018921.
Joubert syndrome. Also called: Familial aplasia of the vermis; JOUBERT-BOLTSHAUSER SYNDROME. Identifiers: Orphanet 475, MedGen C5979921, MONDO:0018772.
Nephronophthisis. Also called: Juvenile Nephronophthisis. Identifiers: Orphanet 655, MedGen C0687120, MONDO:0019005, HP:0000090.

Allele frequency attached by ClinVar (database versions not stated): TOPMed below 0.00001; gnomAD 0.00001.

Submissions (3):

PreventionGenetics, part of Exact Sciences
Classification: Likely benign for CEP290-related condition. Last evaluated: 2026-07-01. Review status: criteria provided, single submitter. Criteria: ACMG Guidelines, 2015. Collection method: clinical testing. Allele origin: germline.
Comment: This variant is classified as likely benign based on ACMG/AMP sequence variant interpretation guidelines (Richards et al. 2015 PMID: 25741868, with internal and published modifications).

Labcorp Genetics (formerly Invitae), Labcorp
Classification: Likely benign for Joubert syndrome; Meckel-Gruber syndrome; Nephronophthisis. Last evaluated: 2026-01-25. Review status: criteria provided, single submitter. Criteria: Invitae Variant Classification Sherloc (09022015). Collection method: clinical testing. Allele origin: germline.

Fulgent Genetics
Classification: Likely benign for Joubert syndrome 5; Senior-Loken syndrome 6; Meckel syndrome, type 4; Leber congenital amaurosis 10; Bardet-Biedl syndrome 14. Last evaluated: 2022-03-12. Review status: criteria provided, single submitter. Criteria: ACMG Guidelines, 2015. Collection method: clinical testing. Allele origin: unknown.

NM_025114.4(CEP290):c.1712-9T>C

Gene: CEP290 (centrosomal protein 290; minus strand). Cytogenetic location: 12q21.32.
Variant type: single nucleotide variant.
Coding change: c.1712-9T>C on transcript NM_025114.4 (MANE Select); 9 bases into the intron before coding-DNA position 1712, T replaced by C.
Molecular consequence: intron variant.
Genome position (GRCh38, 1-based): chr12:88,117,154, A>G on the plus strand (T>C on the coding strand, the complement: CEP290 is on the minus strand). VCF-style: chr12-88117154-A-G. GRCh37 (hg19) VCF-style: chr12-88510931-A-G.
Other names: c.1712-9T>C (NM_025114.3).
Identifiers: ClinVar variation 1122259 (VCV001122259.11), dbSNP rs1412442444, ClinGen allele CA606449205.